The following is an entry in ClinVar:

NM_170682.4(P2RX2):c.770A>G (p.His257Arg)

Gene: P2RX2 (purinergic receptor P2X 2; plus strand). Cytogenetic location: 12q24.33.
Variant type: single nucleotide variant.
Coding change: c.770A>G on transcript NM_170682.4 (MANE Select); coding-DNA position 770, A replaced by G.
Protein change: p.His257Arg; replaces histidine 257 with arginine.
Molecular consequence: missense variant. On other transcripts: synonymous variant (1).
Genome position (GRCh38, 1-based): chr12:132,620,579, A>G. VCF-style: chr12-132620579-A-G. GRCh37 (hg19) VCF-style: chr12-133197165-A-G.
Other names: c.663A>G, p.Thr221= (NM_001282164.2); c.770A>G, p.His257Arg (NM_001282165.2, NM_170683.4, NM_174873.3); c.554A>G, p.His185Arg (NM_012226.5); c.698A>G, p.His233Arg (NM_016318.4); c.494A>G, p.His165Arg (NM_174872.3); c.770A>G (NM_170683.2); short protein forms H165R, H185R, H233R, H257R.
Identifiers: ClinVar variation 1707283 (VCV001707283.3), dbSNP rs751533519, ClinGen allele CA6891637.

ClinVar aggregate classification (germline): Uncertain significance. Review status: criteria provided, multiple submitters, no conflicts (2 of 4 stars). 2 submissions from 2 submitters: Uncertain significance (2). Last evaluated 2025-02-13.

Allele frequency attached by ClinVar (database versions not stated): TOPMed below 0.00001.

Submissions (2):

Ambry Genetics
Classification: Uncertain significance. Last evaluated: 2025-02-13. Review status: criteria provided, single submitter. Criteria: Ambry Variant Classification Scheme 2023. Collection method: clinical testing. Allele origin: germline.

GeneDx
Classification: Uncertain significance. Last evaluated: 2022-03-18. Review status: criteria provided, single submitter. Criteria: GeneDx Variant Classification Process June 2021. Collection method: clinical testing. Allele origin: germline. Affected: yes.
Comment: Not observed at significant frequency in large population cohorts (gnomAD); In silico analysis supports that this missense variant does not alter protein structure/function; Has not been previously published as pathogenic or benign to our knowledge